The following is an entry in ClinVar:

NM_000083.3(CLCN1):c.2860C>G (p.Leu954Val)

Gene: CLCN1 (chloride voltage-gated channel 1; plus strand). Cytogenetic location: 7q34.
Variant type: single nucleotide variant.
Coding change: c.2860C>G on transcript NM_000083.3 (MANE Select); coding-DNA position 2860, C replaced by G.
Protein change: p.Leu954Val; replaces leucine 954 with valine.
Molecular consequence: missense variant. On other transcripts: non-coding transcript variant (1).
Genome position (GRCh38, 1-based): chr7:143,351,858, C>G. VCF-style: chr7-143351858-C-G. GRCh37 (hg19) VCF-style: chr7-143048951-C-G.
Other names: short protein forms L954V.
Identifiers: ClinVar variation 2953207 (VCV002953207.1), dbSNP rs751513925, ClinGen allele CA4537804.
Genomic context (GRCh38, chr7:143,351,858, plus strand): 5'-CCTTCCCCAGAGCCCCCTCTCTCCCTGGCCCCAGGCAAGGTAGAGGGCGAGTTGGAGGAG[C>G]TGGAGCTGGTGGAGAGTCCAGGGCTGGAAGAGGAGCTGGCCGACATCTTGCAGGGCCCCA-3'
Protein context (NP_000074.3, residues 944-964): PGKVEGELEE[Leu954Val]ELVESPGLEE

ClinVar aggregate classification (germline): Uncertain significance (1 of 4 stars; one submission).

Conditions:
Congenital myotonia, autosomal dominant form (THD). Also called: THOMSEN DISEASE; Myotonia congenita autosomal dominant. Identifiers: Orphanet 614, MedGen C2936781, MONDO:0008055, OMIM 160800.
Congenital myotonia, autosomal recessive form. Also called: BECKER DISEASE; Becker Generalized Myotonia; myotonia congenita, autosomal recessive. Identifiers: Orphanet 614, MedGen C0751360, MONDO:0009715, OMIM 255700.

Allele frequency attached by ClinVar (database versions not stated): gnomAD exomes below 0.00001; TOPMed below 0.00001; ExAC 0.00001.

Submission:

Labcorp Genetics (formerly Invitae), Labcorp
Classification: Uncertain significance for Congenital myotonia, autosomal recessive form; Congenital myotonia, autosomal dominant form. Last evaluated: 2023-10-04. Review status: criteria provided, single submitter. Criteria: Invitae Variant Classification Sherloc (09022015). Collection method: clinical testing. Allele origin: germline.
Comment: This sequence change replaces leucine, which is neutral and non-polar, with valine, which is neutral and non-polar, at codon 954 of the CLCN1 protein (p.Leu954Val). This variant is present in population databases (rs751513925, gnomAD 0.0009%). This variant has not been reported in the literature in individuals affected with CLCN1-related conditions. Advanced modeling of protein sequence and biophysical properties (such as structural, functional, and spatial information, amino acid conservation, physicochemical variation, residue mobility, and thermodynamic stability) has been performed at Invitae for this missense variant, however the output from this modeling did not meet the statistical confidence thresholds required to predict the impact of this variant on CLCN1 protein function. In summary, the available evidence is currently insufficient to determine the role of this variant in disease. Therefore, it has been classified as a Variant of Uncertain Significance.